The following is an entry in ClinVar:

ClinVar aggregate classification (germline): Uncertain significance (1 of 4 stars; one submission).

Allele frequency attached by ClinVar (database versions not stated): gnomAD exomes below 0.00001.
gnomAD v4.1: 1 of 1,613,916 alleles (0.000062%); highest among the groups gnomAD compares: Non-Finnish European, 0.000085%; no homozygotes.

Submission:

Labcorp Genetics (formerly Invitae), Labcorp
Classification: Uncertain significance. Last evaluated: 2024-12-23. Review status: criteria provided, single submitter. Criteria: Invitae Variant Classification Sherloc (09022015). Collection method: clinical testing. Allele origin: germline.
Comment: This sequence change replaces alanine, which is neutral and non-polar, with threonine, which is neutral and polar, at codon 128 of the GSN protein (p.Ala128Thr). This variant is not present in population databases (gnomAD no frequency). This variant has not been reported in the literature in individuals affected with GSN-related conditions. ClinVar contains an entry for this variant (Variation ID: 1489770). An algorithm developed to predict the effect of missense changes on protein structure and function (PolyPhen-2) suggests that this variant is likely to be disruptive. In summary, the available evidence is currently insufficient to determine the role of this variant in disease. Therefore, it has been classified as a Variant of Uncertain Significance.

NM_198252.3(GSN):c.229G>A (p.Ala77Thr)

Gene: GSN (gelsolin; plus strand). Cytogenetic location: 9q33.2.
Variant type: single nucleotide variant.
Coding change: c.229G>A on transcript NM_198252.3 (MANE Select); coding-DNA position 229, G replaced by A.
Protein change: p.Ala77Thr; replaces alanine 77 with threonine.
Molecular consequence: missense variant. On other transcripts: 5 prime UTR variant (1).
Genome position (GRCh38, 1-based): chr9:121,302,943, G>A. VCF-style: chr9-121302943-G-A. GRCh37 (hg19) VCF-style: chr9-124065221-G-A.
Other names: c.382G>A, p.Ala128Thr (NM_000177.5); c.229G>A, p.Ala77Thr (NM_001127662.2, NM_001127664.2, NM_001127665.2 and 10 more transcripts); c.337G>A, p.Ala113Thr (NM_001127663.2); c.262G>A, p.Ala88Thr (NM_001127666.2, NM_001127667.2, NM_001353065.2 and 13 more transcripts); c.280G>A, p.Ala94Thr (NM_001258029.2); c.253G>A, p.Ala85Thr (NM_001258030.2); c.301G>A, p.Ala101Thr (NM_001353076.2); c.-426G>A (NM_001353078.2); short protein forms A88T, A94T, A77T, A113T, A128T, A101T, A85T.
Identifiers: ClinVar variation 1489770 (VCV001489770.6), dbSNP rs2133232411, ClinGen allele CA374733670.